The following is an entry in ClinVar:

ClinVar aggregate classification (germline): Uncertain significance (1 of 4 stars; one submission).

Submission:

Labcorp Genetics (formerly Invitae), Labcorp
Classification: Uncertain significance. Last evaluated: 2025-10-03. Review status: criteria provided, single submitter. Criteria: Invitae Variant Classification Sherloc (09022015). Collection method: clinical testing. Allele origin: germline.
Comment: This sequence change replaces arginine, which is basic and polar, with glutamine, which is neutral and polar, at codon 43 of the KCNK4 protein (p.Arg43Gln). This variant is present in population databases (no rsID available, gnomAD 0.006%). This variant has not been reported in the literature in individuals affected with KCNK4-related conditions. ClinVar contains an entry for this variant (Variation ID: 1917484). An algorithm developed to predict the effect of missense changes on protein structure and function outputs the following: PolyPhen-2: "Benign". The glutamine amino acid residue is found in multiple mammalian species, which suggests that this missense change does not adversely affect protein function. In summary, the available evidence is currently insufficient to determine the role of this variant in disease. Therefore, it has been classified as a Variant of Uncertain Significance.

NM_033310.3(KCNK4):c.128G>A (p.Arg43Gln)

Genes: KCNK4 (potassium two pore domain channel subfamily K member 4; plus strand), KCNK4-CATSPERZ (KCNK4-CATSPERZ readthrough (NMD candidate); plus strand). Cytogenetic location: 11q13.1.
Variant type: single nucleotide variant.
Coding change: c.128G>A on transcript NM_033310.3 (MANE Select); coding-DNA position 128, G replaced by A.
Protein change: p.Arg43Gln; replaces arginine 43 with glutamine.
Molecular consequence: missense variant. On other transcripts: non-coding transcript variant (2).
Genome position (GRCh38, 1-based): chr11:64,293,146, G>A. VCF-style: chr11-64293146-G-A. GRCh37 (hg19) VCF-style: chr11-64060618-G-A.
Other names: c.128G>A, p.Arg43Gln (NM_001317090.2, NM_033311.1); short protein forms R43Q.
Identifiers: ClinVar variation 1917484 (VCV001917484.5), dbSNP rs150371580, ClinGen allele CA223876415.
Genomic context (GRCh38, chr11:64,293,146, plus strand): 5'-TGTTCCGGGCCCTGGAGCAGCCCCACGAGCAGCAGGCCCAGAGGGAGCTGGGGGAGGTCC[G>A]AGAGAAGTTCCTGAGGGCCCATCCGTGTGTGAGCGACCAGGAGCTGGGCCTCCTCATCAA-3'
Protein context (NP_201567.1, residues 33-53): QQAQRELGEV[Arg43Gln]EKFLRAHPCV